The following is an entry in ClinVar:

NM_005245.4(FAT1):c.3813C>G (p.Leu1271=)

Gene: FAT1 (FAT atypical cadherin 1; minus strand). Cytogenetic location: 4q35.2.
Variant type: single nucleotide variant.
Coding change: c.3813C>G on transcript NM_005245.4 (MANE Select); coding-DNA position 3813, C replaced by G.
Protein change: p.Leu1271=; no amino-acid change (leucine 1271 retained).
Molecular consequence: synonymous variant.
Genome position (GRCh38, 1-based): chr4:186,636,744, G>C on the plus strand (C>G on the coding strand, the complement: FAT1 is on the minus strand). VCF-style: chr4-186636744-G-C. GRCh37 (hg19) VCF-style: chr4-187557898-G-C.
Identifiers: ClinVar variation 3047144 (VCV003047144.2), dbSNP rs372899406, ClinGen allele CA3166902.

ClinVar aggregate classification (germline): Likely benign (0 of 4 stars; one submission).

Conditions:
FAT1-related disorder. Also called: FAT1-related condition.

Allele frequency attached by ClinVar (database versions not stated): gnomAD 0.00001; gnomAD exomes 0.00001; ExAC 0.00002; TOPMed 0.00002; ESP Exome Variant Server 0.00008.
gnomAD v4.1: 36 of 1,613,786 alleles (0.0022%); highest among the groups gnomAD compares: African/African-American, 0.019%; no homozygotes.

Submission:

PreventionGenetics, part of Exact Sciences
Classification: Likely benign for FAT1-related condition. Last evaluated: 2019-03-13. Review status: no assertion criteria provided. Collection method: clinical testing. Allele origin: germline.
Comment: This variant is classified as likely benign based on ACMG/AMP sequence variant interpretation guidelines (Richards et al. 2015 PMID: 25741868, with internal and published modifications).